The following is an entry in ClinVar:

ClinVar aggregate classification (germline): Uncertain significance. Review status: criteria provided, multiple submitters, no conflicts (2 of 4 stars). 3 submissions from 3 submitters: Uncertain significance (2). 1 of the submissions does not count toward it. Last evaluated 2025-03-20.

Conditions:
Inborn genetic diseases. Identifiers: MedGen C0950123, MeSH D030342.
Kostmann syndrome (SCN3). Also called: Autosomal recessive severe congenital neutropenia type 3; KOSTMANN DISEASE. Identifiers: Orphanet 99749, MedGen C5235141, MONDO:0012548, OMIM 610738.

Submissions (3):

Ambry Genetics
Classification: Uncertain significance for Inborn genetic diseases. Last evaluated: 2025-03-20. Review status: criteria provided, single submitter. Criteria: Ambry Variant Classification Scheme 2023. Collection method: clinical testing. Allele origin: germline.
Comment: The p.G142V variant (also known as c.425G>T), located in coding exon 3 of the HAX1 gene, results from a G to T substitution at nucleotide position 425. The glycine at codon 142 is replaced by valine, an amino acid with dissimilar properties. This amino acid position is conserved. In addition, this alteration is predicted to be tolerated by in silico analysis. Based on the available evidence, the clinical significance of this variant remains unclear.

Labcorp Genetics (formerly Invitae), Labcorp
Classification: Uncertain significance for Kostmann syndrome. Last evaluated: 2022-08-23. Review status: criteria provided, single submitter. Criteria: Invitae Variant Classification Sherloc (09022015). Collection method: clinical testing. Allele origin: germline.
Comment: This sequence change replaces glycine, which is neutral and non-polar, with valine, which is neutral and non-polar, at codon 142 of the HAX1 protein (p.Gly142Val). This variant is not present in population databases (gnomAD no frequency). This variant has not been reported in the literature in individuals affected with HAX1-related conditions. Algorithms developed to predict the effect of missense changes on protein structure and function are either unavailable or do not agree on the potential impact of this missense change (SIFT: "Tolerated"; PolyPhen-2: "Possibly Damaging"; Align-GVGD: "Class C0"). In summary, the available evidence is currently insufficient to determine the role of this variant in disease. Therefore, it has been classified as a Variant of Uncertain Significance.

Natera, Inc.
Classification: Uncertain significance for Autosomal recessive severe congenital neutropenia type 3. Last evaluated: 2025-03-03. Review status: no assertion criteria provided. Collection method: clinical testing. Allele origin: germline. Not counted in ClinVar's aggregate classification.

NM_006118.4(HAX1):c.425G>T (p.Gly142Val)

Gene: HAX1 (HCLS1 associated protein X-1; plus strand). Cytogenetic location: 1q21.3.
Variant type: single nucleotide variant.
Coding change: c.425G>T on transcript NM_006118.4 (MANE Select); coding-DNA position 425, G replaced by T.
Protein change: p.Gly142Val; replaces glycine 142 with valine.
Molecular consequence: missense variant.
Genome position (GRCh38, 1-based): chr1:154,273,882, G>T. VCF-style: chr1-154273882-G-T. GRCh37 (hg19) VCF-style: chr1-154246358-G-T.
Other names: c.281G>T, p.Gly94Val (NM_001018837.2); short protein forms G142V, G94V.
Identifiers: ClinVar variation 1902473 (VCV001902473.4), dbSNP rs1220274113, ClinGen allele CA342592764.
Genomic context (GRCh38, chr1:154,273,882, plus strand): 5'-GACAGACACTTCGGGACTCAATGCTTAAGTATCCAGATAGTCACCAGCCCAGGATCTTTG[G>T]GGGGGTCTTGGAGAGTGATGCAAGAAGTGAATCCCCCCAACCAGCACCAGACTGGGGCTC-3'
Protein context (NP_006109.2, residues 132-152): YPDSHQPRIF[Gly142Val]GVLESDARSE